The following is an entry in ClinVar:

NM_021096.4(CACNA1I):c.1343A>G (p.Lys448Arg)

Gene: CACNA1I (calcium voltage-gated channel subunit alpha1 I; plus strand). Cytogenetic location: 22q13.1.
Variant type: single nucleotide variant.
Coding change: c.1343A>G on transcript NM_021096.4 (MANE Select); coding-DNA position 1343, A replaced by G.
Protein change: p.Lys448Arg; replaces lysine 448 with arginine.
Molecular consequence: missense variant.
Genome position (GRCh38, 1-based): chr22:39,646,762, A>G. VCF-style: chr22-39646762-A-G. GRCh37 (hg19) VCF-style: chr22-40042767-A-G.
Other names: c.1343A>G, p.Lys448Arg (NM_001003406.2); short protein forms K448R.
Identifiers: ClinVar variation 5019219 (VCV005019219.2).
Genomic context (GRCh38, chr22:39,646,762, plus strand): 5'-ACGCCGAGCCTGGCGACTGCTACGAGGAGATCTTCCAGTATGTCTGCCACATCCTGCGCA[A>G]GGCCAAGCGCCGCGCCCTGGGCCTCTACCAGGCCCTGCAGAGCCGGCGCCAGGCCCTGGG-3'
Protein context (NP_066919.2, residues 438-458): IFQYVCHILR[Lys448Arg]AKRRALGLYQ

ClinVar aggregate classification (germline): Uncertain significance (1 of 4 stars; one submission).

Conditions:
Neurodevelopmental disorder with speech impairment and with or without seizures. Also called: Neurodevelopmental disorder with variable intellectual disability and speech impairment, with or without seizures. Identifiers: MedGen C5774252, MONDO:0859313, OMIM 620114.

Submission:

Juno Genomics, Hangzhou Juno Genomics, Inc
Classification: Uncertain significance for Neurodevelopmental disorder with speech impairment and with or without seizures. Review status: criteria provided, single submitter. Criteria: ACMG Guidelines, 2015. Collection method: clinical testing. Allele origin: germline.
Comment: Absent from controls (or at extremely low frequency if recessive) in Genome Aggregation Database.;Missense variant in a gene that has a low rate of benign missense variation.